The following is an entry in ClinVar:

NM_015001.3(SPEN):c.10333G>C (p.Val3445Leu)

Gene: SPEN (spen family transcriptional repressor; plus strand). Cytogenetic location: 1p36.13.
Variant type: single nucleotide variant.
Coding change: c.10333G>C on transcript NM_015001.3 (MANE Select); coding-DNA position 10333, G replaced by C.
Protein change: p.Val3445Leu; replaces valine 3445 with leucine.
Molecular consequence: missense variant.
Genome position (GRCh38, 1-based): chr1:15,937,469, G>C. VCF-style: chr1-15937469-G-C. GRCh37 (hg19) VCF-style: chr1-16263964-G-C.
Other names: short protein forms V3445L.
Identifiers: ClinVar variation 3774605 (VCV003774605.2).

ClinVar aggregate classification (germline): Uncertain significance. Review status: criteria provided, multiple submitters, no conflicts (2 of 4 stars). 2 submissions from 2 submitters: Uncertain significance (2). Last evaluated 2025-04-16.

Conditions:
Inborn genetic diseases. Identifiers: MedGen C0950123, MeSH D030342.

gnomAD v4.1: 2 of 1,613,862 alleles (0.00012%); highest among the groups gnomAD compares: Non-Finnish European, 0.00017%; no homozygotes.

Submissions (2):

Ambry Genetics
Classification: Uncertain significance for Inborn genetic diseases. Last evaluated: 2025-04-16. Review status: criteria provided, single submitter. Criteria: Ambry Variant Classification Scheme 2023. Collection method: clinical testing. Allele origin: germline.

GeneDx
Classification: Uncertain significance. Last evaluated: 2024-09-26. Review status: criteria provided, single submitter. Criteria: GeneDx Variant Classification Process June 2021. Collection method: clinical testing. Allele origin: germline. Affected: yes.
Comment: In silico analysis supports that this missense variant does not alter protein structure/function; Has not been previously published as pathogenic or benign to our knowledge